The following is an entry in ClinVar:

NM_001244008.2(KIF1A):c.4326G>C (p.Gln1442His)

Gene: KIF1A (kinesin family member 1A; minus strand). Cytogenetic location: 2q37.3.
Variant type: single nucleotide variant.
Coding change: c.4326G>C on transcript NM_001244008.2 (MANE Select); coding-DNA position 4326, G replaced by C.
Protein change: p.Gln1442His; replaces glutamine 1442 with histidine.
Molecular consequence: missense variant.
Genome position (GRCh38, 1-based): chr2:240,723,551, C>G on the plus strand (G>C on the coding strand, the complement: KIF1A is on the minus strand). VCF-style: chr2-240723551-C-G. GRCh37 (hg19) VCF-style: chr2-241662968-C-G.
Other names: c.4050G>C, p.Gln1350His (NM_001320705.2, NM_001379649.1); c.4077G>C, p.Gln1359His (NM_001330289.2); c.4125G>C, p.Gln1375His (NM_001330290.2, NM_001379648.1); c.4401G>C, p.Gln1467His (NM_001379631.1); c.4302G>C, p.Gln1434His (NM_001379632.1); c.4299G>C, p.Gln1433His (NM_001379633.1, NM_001379645.1); c.4152G>C, p.Gln1384His (NM_001379634.1); c.4149G>C, p.Gln1383His (NM_001379635.1, NM_001379646.1); and 7 more; short protein forms Q1366H, Q1375H, Q1383H, Q1384H, Q1433H, Q1467H, Q1350H, Q1379H.
Identifiers: ClinVar variation 2945620 (VCV002945620.3), dbSNP rs2536723867, ClinGen allele CA351305685.
Genomic context (GRCh38, chr2:240,723,551, plus strand): 5'-CAGGTTCTCCTCGCCCCGGACATAGGCCACAGATGTGTCCAGGACTCGTCGGCGCCGGCG[C>G]TGCATCCCTGCATGGGGCACGTGGACATTCCACCCCTACCTGATGGGTGGCTGCTCCTCC-3'
Protein context (NP_001230937.1, residues 1432-1452): HVADAGSPGM[Gln1442His]RRRRRVLDTS

ClinVar aggregate classification (germline): Uncertain significance (1 of 4 stars; one submission).

Conditions:
Neuropathy, hereditary sensory, type 2C. Also called: KIF1A-Related HSAN2 (HSAN2C); Hereditary sensory and autonomic neuropathy type IIC. Identifiers: Orphanet 970, MedGen C3280168, MONDO:0013634, OMIM 614213.
Hereditary spastic paraplegia 30. Identifiers: Orphanet 101010, MedGen C5235139, MONDO:0012476.
Intellectual disability, autosomal dominant 9 (NESCAVS). Also called: NESCAV SYNDROME; KIF1A-Related Neurodevelopmental Disorder. Identifiers: Orphanet 662367, MedGen C5393830, MONDO:0013656, OMIM 614255.

Submission:

Labcorp Genetics (formerly Invitae), Labcorp
Classification: Uncertain significance for Hereditary spastic paraplegia 30; Neuropathy, hereditary sensory, type 2C; Intellectual disability, autosomal dominant 9. Last evaluated: 2023-03-21. Review status: criteria provided, single submitter. Criteria: Invitae Variant Classification Sherloc (09022015). Collection method: clinical testing. Allele origin: germline.
Comment: This sequence change replaces glutamine, which is neutral and polar, with histidine, which is basic and polar, at codon 1341 of the KIF1A protein (p.Gln1341His). This variant is not present in population databases (gnomAD no frequency). This variant has not been reported in the literature in individuals affected with KIF1A-related conditions. Advanced modeling of protein sequence and biophysical properties (such as structural, functional, and spatial information, amino acid conservation, physicochemical variation, residue mobility, and thermodynamic stability) performed at Invitae indicates that this missense variant is not expected to disrupt KIF1A protein function. In summary, the available evidence is currently insufficient to determine the role of this variant in disease. Therefore, it has been classified as a Variant of Uncertain Significance.